The following is an entry in ClinVar:

NM_001379500.1(COL18A1):c.2535A>G (p.Pro845=)

Gene: COL18A1 (collagen type XVIII alpha 1 chain; plus strand). Cytogenetic location: 21q22.3.
Variant type: single nucleotide variant.
Coding change: c.2535A>G on transcript NM_001379500.1 (MANE Select); coding-DNA position 2535, A replaced by G.
Protein change: p.Pro845=; no amino-acid change (proline 845 retained).
Molecular consequence: synonymous variant.
Genome position (GRCh38, 1-based): chr21:45,496,526, A>G. VCF-style: chr21-45496526-A-G. GRCh37 (hg19) VCF-style: chr21-46916440-A-G.
Other names: c.3075A>G, p.Pro1025= (NM_030582.4); c.3780A>G, p.Pro1260= (NM_130444.3).
Identifiers: ClinVar variation 5001830 (VCV005001830.1).
Genomic context (GRCh38, chr21:45,496,526, plus strand): 5'-CCATAAGCCTAACAGCTCTCTGCCCTCCCCACAGGGAATGCCCGGCCCCCCAGGACCTCC[A>G]GGGCCCCCAGGCCCTCCAGGGACTCCTGTTTACGACAGCAATGTAAGTCCCCAGGGCACC-3'
Protein context (NP_001366429.1, residues 835-855): MRGMPGPPGP[Pro845=]GPPGPPGTPV

ClinVar aggregate classification (germline): Likely benign (1 of 4 stars; one submission).

Conditions:
COL18A1-related disorder. Also called: COL18A1-related disorders; COL18A1-related condition.

gnomAD v4.1: 9 of 1,527,666 alleles (0.00059%); highest among the groups gnomAD compares: Non-Finnish European, 0.00082%; no homozygotes.

Submission:

PreventionGenetics, part of Exact Sciences
Classification: Likely benign for COL18A1-related condition. Last evaluated: 2024-12-18. Review status: criteria provided, single submitter. Criteria: ACMG Guidelines, 2015. Collection method: clinical testing. Allele origin: germline.
Comment: This variant is classified as likely benign based on ACMG/AMP sequence variant interpretation guidelines (Richards et al. 2015 PMID: 25741868, with internal and published modifications).